The following is an entry in ClinVar:

ClinVar aggregate classification (germline): Uncertain significance. Review status: criteria provided, multiple submitters, no conflicts (2 of 4 stars). 2 submissions from 2 submitters: Uncertain significance (2). Last evaluated 2025-08-30.

Conditions:
Cardiovascular phenotype. Identifiers: MedGen CN230736.

Allele frequency attached by ClinVar (database versions not stated): gnomAD 0.00001; ExAC 0.00002; gnomAD exomes 0.00001; TOPMed 0.00001.
gnomAD v4.1: 5 of 1,613,968 alleles (0.00031%); highest among the groups gnomAD compares: Admixed American, 0.0083%; no homozygotes.

Submissions (2):

Labcorp Genetics (formerly Invitae), Labcorp
Classification: Uncertain significance. Last evaluated: 2025-08-30. Review status: criteria provided, single submitter. Criteria: Invitae Variant Classification Sherloc (09022015). Collection method: clinical testing. Allele origin: germline.
Comment: This sequence change replaces lysine, which is basic and polar, with threonine, which is neutral and polar, at codon 121 of the MFAP5 protein (p.Lys121Thr). This variant is present in population databases (rs753315025, gnomAD 0.009%). This variant has not been reported in the literature in individuals affected with MFAP5-related conditions. ClinVar contains an entry for this variant (Variation ID: 1733384). An algorithm developed to predict the effect of missense changes on protein structure and function (PolyPhen-2) suggests that this variant is likely to be tolerated. In summary, the available evidence is currently insufficient to determine the role of this variant in disease. Therefore, it has been classified as a Variant of Uncertain Significance.

Ambry Genetics
Classification: Uncertain significance for Cardiovascular phenotype. Last evaluated: 2025-08-28. Review status: criteria provided, single submitter. Criteria: Ambry Variant Classification Scheme 2023. Collection method: clinical testing. Allele origin: germline.
Comment: The p.K121T variant (also known as c.362A>C), located in coding exon 8 of the MFAP5 gene, results from an A to C substitution at nucleotide position 362. The lysine at codon 121 is replaced by threonine, an amino acid with similar properties. This amino acid position is poorly conserved in available vertebrate species. In addition, this alteration is predicted to be tolerated by in silico analysis. Since supporting evidence is limited at this time, the clinical significance of this alteration remains unclear.

NM_003480.4(MFAP5):c.362A>C (p.Lys121Thr)

Gene: MFAP5 (microfibril associated protein 5; minus strand). Cytogenetic location: 12p13.31.
Variant type: single nucleotide variant.
Coding change: c.362A>C on transcript NM_003480.4 (MANE Select); coding-DNA position 362, A replaced by C.
Protein change: p.Lys121Thr; replaces lysine 121 with threonine.
Molecular consequence: missense variant. On other transcripts: non-coding transcript variant (2), intron variant (1).
Genome position (GRCh38, 1-based): chr12:8,649,548, T>G on the plus strand (A>C on the coding strand, the complement: MFAP5 is on the minus strand). VCF-style: chr12-8649548-T-G. GRCh37 (hg19) VCF-style: chr12-8802144-T-G.
Other names: c.332A>C, p.Lys111Thr (NM_001297709.2); c.296A>C, p.Lys99Thr (NM_001297710.2); c.287A>C, p.Lys96Thr (NM_001297711.2); c.218-1345A>C (NM_001297712.2); short protein forms K111T, K99T, K121T, K96T.
Identifiers: ClinVar variation 1733384 (VCV001733384.7), dbSNP rs753315025, ClinGen allele CA6434597.